The following is an entry in ClinVar:

NM_152558.5(IQCE):c.1233G>A (p.Leu411=)

Gene: IQCE (IQ motif containing E; plus strand). Cytogenetic location: 7p22.3.
Variant type: single nucleotide variant.
Coding change: c.1233G>A on transcript NM_152558.5 (MANE Select); coding-DNA position 1233, G replaced by A.
Protein change: p.Leu411=; no amino-acid change (leucine 411 retained).
Molecular consequence: synonymous variant.
Genome position (GRCh38, 1-based): chr7:2,590,095, G>A. VCF-style: chr7-2590095-G-A. GRCh37 (hg19) VCF-style: chr7-2629729-G-A.
Other names: c.1233G>A, p.Leu411= (NM_001287499.2); c.1185G>A, p.Leu395= (NM_001287500.2, NM_001410865.1); c.1038G>A, p.Leu346= (NM_001287501.2, NM_001287502.2).
Identifiers: ClinVar variation 3056377 (VCV003056377.2), dbSNP rs61753096, ClinGen allele CA4129082.

ClinVar aggregate classification (germline): Benign (0 of 4 stars; one submission).

Conditions:
IQCE-related disorder. Also called: IQCE-related condition.

Allele frequency attached by ClinVar (database versions not stated): 1000 Genomes Project 30x 0.01156; 1000 Genomes Project 0.01997; gnomAD 0.02895; TOPMed 0.03780; ESP Exome Variant Server 0.04152; ExAC 0.04424; gnomAD exomes 0.04935.
gnomAD v4.1: 75,565 of 1,600,938 alleles (4.7%); highest among the groups gnomAD compares: Middle Eastern, 8.2%; 2,347 homozygotes.

Submission:

PreventionGenetics, part of Exact Sciences
Classification: Benign for IQCE-related condition. Last evaluated: 2021-05-24. Review status: no assertion criteria provided. Collection method: clinical testing. Allele origin: germline.
Comment: This variant is classified as benign based on ACMG/AMP sequence variant interpretation guidelines (Richards et al. 2015 PMID: 25741868, with internal and published modifications).